The following is an entry in ClinVar:

NM_021120.4(DLG3):c.425G>A (p.Gly142Asp)

Gene: DLG3 (discs large MAGUK scaffold protein 3; plus strand). Cytogenetic location: Xq13.1.
Variant type: single nucleotide variant.
Coding change: c.425G>A on transcript NM_021120.4 (MANE Select); coding-DNA position 425, G replaced by A.
Protein change: p.Gly142Asp; replaces glycine 142 with aspartic acid.
Molecular consequence: missense variant.
Genome position (GRCh38, 1-based): chrX:70,449,375, G>A. VCF-style: chrX-70449375-G-A. GRCh37 (hg19) VCF-style: chrX-69669225-G-A.
Other names: short protein forms G142D.
Identifiers: ClinVar variation 4072812 (VCV004072812.1).

ClinVar aggregate classification (germline): Uncertain significance (1 of 4 stars; one submission).

Submission:

GeneDx
Classification: Uncertain significance. Last evaluated: 2025-02-03. Review status: criteria provided, single submitter. Criteria: GeneDx Variant Classification Process June 2021. Collection method: clinical testing. Allele origin: germline. Affected: yes.
Comment: Not observed at significant frequency in large population cohorts (gnomAD); In silico analysis supports that this missense variant has a deleterious effect on protein structure/function; Has not been previously published as pathogenic or benign to our knowledge